The following is an entry in ClinVar:

NM_024675.4(PALB2):c.1571C>G (p.Ser524Ter)

Gene: PALB2 (partner and localizer of BRCA2; minus strand). Cytogenetic location: 16p12.2.
Variant type: single nucleotide variant.
Coding change: c.1571C>G on transcript NM_024675.4 (MANE Select); coding-DNA position 1571, C replaced by G.
Protein change: p.Ser524Ter; replaces serine 524 with a stop codon.
Molecular consequence: nonsense.
Genome position (GRCh38, 1-based): chr16:23,634,975, G>C on the plus strand (C>G on the coding strand, the complement: PALB2 is on the minus strand). VCF-style: chr16-23634975-G-C. GRCh37 (hg19) VCF-style: chr16-23646296-G-C.
Other names: short protein forms S524*.
Identifiers: ClinVar variation 143964 (VCV000143964.22), dbSNP rs587776413, ClinGen allele CA294552.

ClinVar aggregate classification (germline): Pathogenic. Review status: criteria provided, multiple submitters, no conflicts (2 of 4 stars). 8 submissions from 8 submitters: Pathogenic (6). 2 of the submissions do not count toward it. Last evaluated 2026-01-04.

Conditions:
Hereditary cancer-predisposing syndrome. Also called: Hereditary Cancer Syndrome; Neoplastic Syndromes, Hereditary; Hereditary neoplastic syndrome; Tumor predisposition. Identifiers: Orphanet 140162, MedGen C0027672, MeSH D009386, MONDO:0015356.
Familial cancer of breast. Also called: BREAST CANCER, FAMILIAL; Hereditary breast cancer; hereditary breast carcinoma. Identifiers: Orphanet 227535, MedGen C0346153, MONDO:0016419, OMIM 114480. Disease mechanism: loss of function.

Allele frequency attached by ClinVar (database versions not stated): gnomAD exomes below 0.00001.
gnomAD v4.1: 2 of 1,614,204 alleles (0.00012%); highest among the groups gnomAD compares: African/African-American, 0.0013%; no homozygotes.

Submissions (8):

Labcorp Genetics (formerly Invitae), Labcorp
Classification: Pathogenic for Familial cancer of breast. Last evaluated: 2026-01-04. Review status: criteria provided, single submitter. Criteria: Invitae Variant Classification Sherloc (09022015). Collection method: clinical testing. Allele origin: germline.
Comment: This sequence change creates a premature translational stop signal (p.Ser524*) in the PALB2 gene. It is expected to result in an absent or disrupted protein product. Loss-of-function variants in PALB2 are known to be pathogenic (PMID: 17200668, 17200671, 17200672, 24136930, 25099575). This variant is not present in population databases (gnomAD no frequency). This premature translational stop signal has been observed in individual(s) with breast cancer (PMID: 25099575, 27469594). ClinVar contains an entry for this variant (Variation ID: 143964). For these reasons, this variant has been classified as Pathogenic.

GeneDx
Classification: Pathogenic. Last evaluated: 2024-10-25. Review status: criteria provided, single submitter. Criteria: GeneDx Variant Classification Process June 2021. Collection method: clinical testing. Allele origin: germline. Affected: yes.
Comment: Nonsense variant predicted to result in protein truncation or nonsense mediated decay in a gene for which loss-of-function is a known mechanism of disease; Not observed at significant frequency in large population cohorts (gnomAD); Truncating variants in this gene are considered pathogenic by a well-established clinical consortium and/or database; This variant is associated with the following publications: (PMID: 25099575, 27469594, 28194609, 33646313, 32191290, 30130155, 34308104)

Myriad Genetics, Inc.
Classification: Pathogenic for Familial cancer of breast. Last evaluated: 2023-09-11. Review status: criteria provided, single submitter. Criteria: Myriad Autosomal Dominant, Autosomal Recessive and X-Linked Classification Criteria (2023). Collection method: clinical testing. Allele origin: unknown.
Comment: This variant is considered pathogenic. This variant creates a termination codon and is predicted to result in premature protein truncation.

Ambry Genetics
Classification: Pathogenic for Hereditary cancer-predisposing syndrome. Last evaluated: 2023-07-07. Review status: criteria provided, single submitter. Criteria: Ambry Variant Classification Scheme 2023. Collection method: clinical testing. Allele origin: germline.
Comment: The p.S524* pathogenic mutation (also known as c.1571C>G), located in coding exon 4 of the PALB2 gene, results from a C to G substitution at nucleotide position 1571. This changes the amino acid from a serine to a stop codon within coding exon 4. This alteration was reported as a loss of function mutation in a breast cancer patient (Antoniou AC et al. N. Engl. J. Med. 2014 Aug;371:497-506), and later in two unrelated individuals with early onset breast cancer and a family history of breast cancer (Donenberg T et al. Breast Cancer Res. Treat. 2016 Aug;159:131-8). In addition to the clinical data presented in the literature, this alteration is expected to result in loss of function by premature protein truncation or nonsense-mediated mRNA decay. As such, this alteration is interpreted as a disease-causing mutation.

Baylor Genetics
Classification: Pathogenic for Familial cancer of breast. Last evaluated: 2023-03-22. Review status: criteria provided, single submitter. Criteria: ACMG Guidelines, 2015. Collection method: clinical testing. Allele origin: unknown.

Quest Diagnostics Nichols Institute San Juan Capistrano
Classification: Pathogenic. Last evaluated: 2017-03-30. Review status: criteria provided, single submitter. Criteria: Quest Diagnostics criteria. Collection method: clinical testing. Allele origin: germline.

Leiden Open Variation Database
Classification: Pathogenic for Familial cancer of breast. Last evaluated: 2019-05-13. Review status: no assertion criteria provided. Collection method: curation. Allele origin: germline. Affected: yes. Not counted in ClinVar's aggregate classification.
Comment: Curators: Marc Tischkowitz, Arleen D. Auerbach. Submitter to LOVD: Marc Tischkowitz.

SNPedia
Classification: Pathogenic. Review status: no assertion criteria provided. Collection method: not provided. Allele origin: germline. Not counted in ClinVar's aggregate classification.
ClinVar note: Converted during submission from pathogenic to Pathogenic.

Literature cited by the submitters: PubMed 17200668 (cited by Labcorp Genetics (formerly Invitae), Labcorp); PubMed 17200671 (cited by Labcorp Genetics (formerly Invitae), Labcorp); PubMed 17200672 (cited by Labcorp Genetics (formerly Invitae), Labcorp); PubMed 24136930 (cited by Labcorp Genetics (formerly Invitae), Labcorp); PubMed 25099575 (cited by 4 submitters); PubMed 27469594 (cited by 3 submitters); PubMed 28194609 (cited by Quest Diagnostics Nichols Institute San Juan Capistrano).